The following is an entry in ClinVar:

NM_001099922.3(ALG13):c.1266T>C (p.Gly422=)

Gene: ALG13 (ALG13 UDP-N-acetylglucosaminyltransferase subunit; plus strand). Cytogenetic location: Xq23.
Variant type: single nucleotide variant.
Coding change: c.1266T>C on transcript NM_001099922.3 (MANE Select); coding-DNA position 1266, T replaced by C.
Protein change: p.Gly422=; no amino-acid change (glycine 422 retained).
Molecular consequence: synonymous variant. On other transcripts: non-coding transcript variant (1).
Genome position (GRCh38, 1-based): chrX:111,720,110, T>C. VCF-style: chrX-111720110-T-C. GRCh37 (hg19) VCF-style: chrX-110963338-T-C.
Other names: p.Gly422=; c.954T>C, p.Gly318= (NM_001257230.2, NM_001257234.2, NM_001257237.2 and 1 more transcripts); c.1032T>C, p.Gly344= (NM_001257231.2); c.1266T>C, p.Gly422= (NM_001324292.2).
Identifiers: ClinVar variation 238289 (VCV000238289.18), dbSNP rs5985637, ClinGen allele CA10493686.

ClinVar aggregate classification (germline): Benign. Review status: criteria provided, multiple submitters, no conflicts (2 of 4 stars). 7 submissions from 7 submitters: Benign (7). Last evaluated 2026-02-04.

Conditions:
Inborn genetic diseases. Identifiers: MedGen C0950123, MeSH D030342.
Developmental and epileptic encephalopathy, 36 (DEE36). Also called: Congenital disorder of glycosylation, type Is; ALG13-CDG; Epileptic encephalopathy, early infantile, 36. Identifiers: Orphanet 324422, MedGen C4317295, MONDO:0010472, OMIM 300884.

Allele frequency attached by ClinVar (database versions not stated): 1000 Genomes Project 0.00530; 1000 Genomes Project 30x 0.00604; gnomAD exomes 0.01104 and 0.01706; gnomAD 0.01236 and 0.01375; ESP Exome Variant Server 0.01305; TOPMed 0.01472; ExAC 0.01862.
gnomAD v4.1: 19,838 of 1,188,699 alleles (1.7%); highest among the groups gnomAD compares: Non-Finnish European, 2%; 162 homozygotes.

Submissions (7):

Labcorp Genetics (formerly Invitae), Labcorp
Classification: Benign for Developmental and epileptic encephalopathy, 36. Last evaluated: 2026-02-04. Review status: criteria provided, single submitter. Criteria: Invitae Variant Classification Sherloc (09022015). Collection method: clinical testing. Allele origin: germline.

Genome-Nilou Lab
Classification: Benign for Developmental and epileptic encephalopathy, 36. Last evaluated: 2021-12-05. Review status: criteria provided, single submitter. Criteria: ACMG Guidelines, 2015. Collection method: clinical testing. Allele origin: germline. Affected: no.

Mayo Clinic Laboratories, Mayo Clinic
Classification: Benign. Last evaluated: 2018-11-30. Review status: criteria provided, single submitter. Criteria: ACMG Guidelines, 2015. Collection method: clinical testing. Allele origin: germline. Observed: 15 variant alleles.

Athena Diagnostics
Classification: Benign. Last evaluated: 2017-06-23. Review status: criteria provided, single submitter. Criteria: Athena Diagnostics Criteria. Collection method: clinical testing. Allele origin: germline.

Ambry Genetics
Classification: Benign for Inborn genetic diseases. Last evaluated: 2016-06-22. Review status: criteria provided, single submitter. Criteria: Ambry Variant Classification Scheme 2023. Collection method: clinical testing. Allele origin: germline.

GeneDx
Classification: Benign. Last evaluated: 2016-01-18. Review status: criteria provided, single submitter. Criteria: GeneDx Variant Classification (06012015). Collection method: clinical testing. Allele origin: germline. Affected: yes.
Comment: This variant is considered likely benign or benign based on one or more of the following criteria: it is a conservative change, it occurs at a poorly conserved position in the protein, it is predicted to be benign by multiple in silico algorithms, and/or has population frequency not consistent with disease.

Breakthrough Genomics
Classification: Benign. Review status: criteria provided, single submitter. Criteria: ACMG Guidelines, 2015. Collection method: not provided. Allele origin: germline. Inheritance: X-linked inheritance. Affected: yes.